The following is an entry in ClinVar:

ClinVar aggregate classification (germline): Pathogenic. Review status: criteria provided, multiple submitters, no conflicts (2 of 4 stars). 2 submissions from 2 submitters: Pathogenic (2). Last evaluated 2025-10-11.

Conditions:
Intellectual disability, X-linked 102 (MRXSSB). Also called: Intellectual developmental disorder, X-linked syndromic, Snijders Blok type. Identifiers: Orphanet 457260, MedGen C5393299, MONDO:0010497, OMIM 300958.

Submissions (2):

Labcorp Genetics (formerly Invitae), Labcorp
Classification: Pathogenic. Last evaluated: 2025-10-11. Review status: criteria provided, single submitter. Criteria: Invitae Variant Classification Sherloc (09022015). Collection method: clinical testing. Allele origin: germline.
Comment: This sequence change creates a premature translational stop signal (p.Asn546*) in the DDX3X gene. It is expected to result in an absent or disrupted protein product. Loss-of-function variants in DDX3X are known to be pathogenic (PMID: 26235985). This variant is not present in population databases (gnomAD no frequency). This variant has not been reported in the literature in individuals affected with DDX3X-related conditions. ClinVar contains an entry for this variant (Variation ID: 4083508). For these reasons, this variant has been classified as Pathogenic.

Molecular Genetics Laboratory, Motol Hospital
Classification: Pathogenic for Intellectual disability, X-linked 102. Last evaluated: 2025-08-14. Review status: criteria provided, single submitter. Criteria: ACMG Guidelines, 2015. Collection method: clinical testing. Allele origin: de novo. Affected: yes. Observed: 1 variant allele.
Comment: Not present in gnomAD (v4.1.0), dbSNP or ClinVar. Rare truncating variants affecting the DDX3X gene are documented as a molecular cause of "Snijders Blok type of X-linked syndromic intellectual developmental disorder" (MRXSSB, MIM:300958; PMID:30936465;PMID:26235985;PMID:38058759).To conclude, the variant is classified as pathogenic (ACMG PM2, PS2, PVS1).

Literature cited by the submitters: PubMed 26235985 (cited by Labcorp Genetics (formerly Invitae), Labcorp and Molecular Genetics Laboratory, Motol Hospital); PubMed 30936465 (cited by Molecular Genetics Laboratory, Motol Hospital); PubMed 38058759 (cited by Molecular Genetics Laboratory, Motol Hospital).

NM_001356.5(DDX3X):c.1635dup (p.Asn546Ter)

Gene: DDX3X (DEAD-box helicase 3 X-linked; plus strand). Cytogenetic location: Xp11.4.
Variant type: Duplication.
Coding change: c.1635dup on transcript NM_001356.5 (MANE Select); coding-DNA position 1635, one base duplicated (T; older notation c.1635dupT).
Protein change: p.Asn546Ter; replaces asparagine 546 with a stop codon.
Molecular consequence: nonsense. On other transcripts: non-coding transcript variant (1).
Genome position (GRCh38, 1-based): chrX:41,346,878, T duplicated; the last of 3 consecutive T bases (chrX:41,346,876-41,346,878); duplicating any one gives the same sequence. VCF-style (leftmost placement, unchanged base first): chrX-41346875-C-CT. GRCh37 (hg19) VCF-style: chrX-41206128-C-CT.
Other names: c.1635dup, p.Asn546Ter (NM_001193416.3); c.1587dup, p.Asn530Ter (NM_001193417.3); c.1077dup, p.Asn360Ter (NM_001363819.1); short protein forms N360*, N530*, N546*.
Identifiers: ClinVar variation 4083508 (VCV004083508.2).